The following is an entry in ClinVar:

ClinVar aggregate classification (germline): Likely benign. Review status: criteria provided, multiple submitters, no conflicts (2 of 4 stars). 4 submissions from 4 submitters: Likely benign (4). Last evaluated 2024-08-13.

Conditions:
Wolfram syndrome 1 (WFS1). Identifiers: Orphanet 3463, MedGen C4551693, MONDO:0009101, OMIM 222300.

Allele frequency attached by ClinVar (database versions not stated): ExAC 0.00001; gnomAD 0.00001; gnomAD exomes 0.00001; TOPMed 0.00002.
gnomAD v4.1: 16 of 1,613,916 alleles (0.00099%); highest among the groups gnomAD compares: Non-Finnish European, 0.0014%; no homozygotes.

Submissions (4):

Labcorp Genetics (formerly Invitae), Labcorp
Classification: Likely benign. Last evaluated: 2024-08-13. Review status: criteria provided, single submitter. Criteria: Invitae Variant Classification Sherloc (09022015). Collection method: clinical testing. Allele origin: germline.

Blueprint Genetics
Classification: Likely benign. Last evaluated: 2024-06-06. Review status: criteria provided, single submitter. Criteria: ACMG Guidelines, 2015. Collection method: clinical testing. Allele origin: germline.

GeneDx
Classification: Likely benign. Last evaluated: 2017-12-28. Review status: criteria provided, single submitter. Criteria: GeneDx Variant Classification (06012015). Collection method: clinical testing. Allele origin: germline. Affected: yes.
Comment: This variant is considered likely benign or benign based on one or more of the following criteria: it is a conservative change, it occurs at a poorly conserved position in the protein, it is predicted to be benign by multiple in silico algorithms, and/or has population frequency not consistent with disease.

Clinical Genomics, Uppaluri K&H Personalized Medicine Clinic
Classification: Likely benign for Wolfram syndrome 1. Review status: criteria provided, single submitter. Criteria: K & H Uppaluri Personalized Medicine Clinic Variant Classification & Assertion Criteria_Updated V.1. Collection method: research. Allele origin: unknown. Inheritance: Autosomal recessive inheritance.
Comment: Potent mutations in WFS1 gene are associated with Wolfram's syndrome, an autosomal recessive condition, which cause diabetes mellitus, diabetes insipidus, deafness and optic atrophy.However no sufficient evidence is found to ascertain the role of this particular variant rs766786172 in Wolfram's syndrome yet.

Literature cited by the submitters: PubMed 20738327 (cited by Clinical Genomics, Uppaluri K&H Personalized Medicine Clinic); PubMed 33879153 (cited by Clinical Genomics, Uppaluri K&H Personalized Medicine Clinic); PubMed 12955714 (cited by Clinical Genomics, Uppaluri K&H Personalized Medicine Clinic); PubMed 18060660 (cited by Clinical Genomics, Uppaluri K&H Personalized Medicine Clinic); PubMed 20301750 (cited by Clinical Genomics, Uppaluri K&H Personalized Medicine Clinic); PubMed 17603484 (cited by Clinical Genomics, Uppaluri K&H Personalized Medicine Clinic).

NM_006005.3(WFS1):c.1204C>T (p.Leu402=)

Gene: WFS1 (wolframin ER transmembrane glycoprotein; plus strand). Cytogenetic location: 4p16.1.
Variant type: single nucleotide variant.
Coding change: c.1204C>T on transcript NM_006005.3 (MANE Select); coding-DNA position 1204, C replaced by T.
Protein change: p.Leu402=; no amino-acid change (leucine 402 retained).
Molecular consequence: synonymous variant.
Genome position (GRCh38, 1-based): chr4:6,300,999, C>T. VCF-style: chr4-6300999-C-T. GRCh37 (hg19) VCF-style: chr4-6302726-C-T.
Other names: c.1204C>T, p.Leu402= (NM_001145853.1).
Identifiers: ClinVar variation 514049 (VCV000514049.10), dbSNP rs766786172, ClinGen allele CA2839256.